The following is an entry in ClinVar:

ClinVar aggregate classification (germline): Uncertain significance (1 of 4 stars; one submission).

Allele frequency attached by ClinVar (database versions not stated): ExAC 0.00001; gnomAD exomes 0.00001.
gnomAD v4.1: 3 of 1,613,956 alleles (0.00019%); highest among the groups gnomAD compares: Non-Finnish European, 0.00025%; no homozygotes.

Submission:

GeneDx
Classification: Uncertain significance. Last evaluated: 2023-07-31. Review status: criteria provided, single submitter. Criteria: GeneDx Variant Classification Process June 2021. Collection method: clinical testing. Allele origin: germline. Affected: yes.
Comment: In silico analysis supports that this missense variant has a deleterious effect on protein structure/function; Has not been previously published as pathogenic or benign to our knowledge

NM_002249.6(KCNN3):c.962G>A (p.Cys321Tyr)

Gene: KCNN3 (potassium calcium-activated channel subfamily N member 3; minus strand). Cytogenetic location: 1q21.3.
Variant type: single nucleotide variant.
Coding change: c.962G>A on transcript NM_002249.6 (MANE Select); coding-DNA position 962, G replaced by A.
Protein change: p.Cys321Tyr; replaces cysteine 321 with tyrosine.
Molecular consequence: missense variant.
Genome position (GRCh38, 1-based): chr1:154,822,156, C>T on the plus strand (G>A on the coding strand, the complement: KCNN3 is on the minus strand). VCF-style: chr1-154822156-C-T. GRCh37 (hg19) VCF-style: chr1-154794632-C-T.
Other names: c.962G>A, p.Cys321Tyr (NM_001204087.2); c.23G>A, p.Cys8Tyr (NM_001365837.1, NM_001365838.1); c.47G>A, p.Cys16Tyr (NM_170782.3); short protein forms C16Y, C321Y, C8Y.
Identifiers: ClinVar variation 2446471 (VCV002446471.2), dbSNP rs757374968, ClinGen allele CA1132168.